The following is an entry in ClinVar:

ClinVar aggregate classification (germline): Uncertain significance (1 of 4 stars; one submission).

Allele frequency attached by ClinVar (database versions not stated): gnomAD exomes below 0.00001.
gnomAD v4.1: 3 of 1,612,738 alleles (0.00019%); highest among the groups gnomAD compares: African/African-American, 0.004%; no homozygotes.

Submission:

Labcorp Genetics (formerly Invitae), Labcorp
Classification: Uncertain significance. Last evaluated: 2024-05-09. Review status: criteria provided, single submitter. Criteria: Invitae Variant Classification Sherloc (09022015). Collection method: clinical testing. Allele origin: germline.
Comment: This sequence change replaces tryptophan, which is neutral and slightly polar, with cysteine, which is neutral and slightly polar, at codon 2396 of the USH2A protein (p.Trp2396Cys). This variant is not present in population databases (gnomAD no frequency). This variant has not been reported in the literature in individuals affected with USH2A-related conditions. ClinVar contains an entry for this variant (Variation ID: 1442738). Advanced modeling of protein sequence and biophysical properties (such as structural, functional, and spatial information, amino acid conservation, physicochemical variation, residue mobility, and thermodynamic stability) has been performed at Invitae for this missense variant, however the output from this modeling did not meet the statistical confidence thresholds required to predict the impact of this variant on USH2A protein function. In summary, the available evidence is currently insufficient to determine the role of this variant in disease. Therefore, it has been classified as a Variant of Uncertain Significance.

NM_206933.4(USH2A):c.7188G>T (p.Trp2396Cys)

Gene: USH2A (usherin; minus strand). Cytogenetic location: 1q41.
Variant type: single nucleotide variant.
Coding change: c.7188G>T on transcript NM_206933.4 (MANE Select); coding-DNA position 7188, G replaced by T.
Protein change: p.Trp2396Cys; replaces tryptophan 2396 with cysteine.
Molecular consequence: missense variant.
Genome position (GRCh38, 1-based): chr1:215,934,728, C>A on the plus strand (G>T on the coding strand, the complement: USH2A is on the minus strand). VCF-style: chr1-215934728-C-A. GRCh37 (hg19) VCF-style: chr1-216108070-C-A.
Other names: short protein forms W2396C.
Identifiers: ClinVar variation 1442738 (VCV001442738.7), dbSNP rs2102499727, ClinGen allele CA344857719.